The following is an entry in ClinVar:

NM_000088.4(COL1A1):c.1056+5G>C

Gene: COL1A1 (collagen type I alpha 1 chain; minus strand). Cytogenetic location: 17q21.33.
Variant type: single nucleotide variant.
Coding change: c.1056+5G>C on transcript NM_000088.4 (MANE Select); 5 bases into the intron after coding-DNA position 1056, G replaced by C.
Molecular consequence: intron variant.
Genome position (GRCh38, 1-based): chr17:50,195,918, C>G on the plus strand (G>C on the coding strand, the complement: COL1A1 is on the minus strand). VCF-style: chr17-50195918-C-G. GRCh37 (hg19) VCF-style: chr17-48273279-C-G.
Identifiers: ClinVar variation 1778500 (VCV001778500.2), dbSNP rs1249852414, ClinGen allele CA626485964.

ClinVar aggregate classification (germline): Uncertain significance (1 of 4 stars; one submission).

Conditions:
Cardiovascular phenotype. Identifiers: MedGen CN230736.

Allele frequency attached by ClinVar (database versions not stated): gnomAD exomes below 0.00001.
gnomAD v4.1: 1 of 1,576,806 alleles (0.000063%); highest among the groups gnomAD compares: Middle Eastern, 0.017%; no homozygotes.

Submission:

Ambry Genetics
Classification: Uncertain significance for Cardiovascular phenotype. Last evaluated: 2022-09-27. Review status: criteria provided, single submitter. Criteria: Ambry Variant Classification Scheme 2023. Collection method: clinical testing. Allele origin: germline.
Comment: The c.1056+5G>C intronic variant results from a G to C substitution 5 nucleotides after coding exon 16 in the COL1A1 gene. This nucleotide position is highly conserved in available vertebrate species. In silico splice site analysis predicts that this alteration will not have any significant effect on splicing. Since supporting evidence is limited at this time, the clinical significance of this alteration remains unclear.